The following is an entry in ClinVar:

ClinVar aggregate classification (germline): Likely pathogenic (1 of 4 stars; one submission).

Conditions:
Ornithine carbamoyltransferase deficiency (OTCD). Also called: ORNITHINE TRANSCARBAMYLASE DEFICIENCY; ORNITHINE TRANSCARBAMYLASE DEFICIENCY, HYPERAMMONEMIA DUE TO; OTC DEFICIENCY; Ornithine Carbamoyltransferase Deficiency Disease. Identifiers: Orphanet 664, MedGen C0268542, MONDO:0010703, OMIM 311250.

Submission:

Labcorp Genetics (formerly Invitae), Labcorp
Classification: Likely pathogenic for Ornithine carbamoyltransferase deficiency. Last evaluated: 2020-02-06. Review status: criteria provided, single submitter. Criteria: Invitae Variant Classification Sherloc (09022015). Collection method: clinical testing. Allele origin: germline.
Comment: This variant is not present in population databases (ExAC no frequency). This variant has been observed in individual(s) with OTC deficiency (Invitae). Algorithms developed to predict the effect of missense changes on protein structure and function are either unavailable or do not agree on the potential impact of this missense change (SIFT: "Tolerated"; PolyPhen-2: "Probably Damaging"; Align-GVGD: "Class C0"). Algorithms developed to predict the effect of sequence changes on RNA splicing suggest that this variant may create or strengthen a splice site, but this prediction has not been confirmed by published transcriptional studies. This variant disrupts the p.Pro225 amino acid residue in OTC. Other variant(s) that disrupt this residue have been determined to be pathogenic (PMID: 27070778, 9427144, 9286441, 1721894). This suggests that this residue is clinically significant, and that variants that disrupt this residue are likely to be disease-causing. In summary, the currently available evidence indicates that the variant is pathogenic, but additional data are needed to prove that conclusively. Therefore, this variant has been classified as Likely Pathogenic. This sequence change replaces proline with glutamine at codon 225 of the OTC protein (p.Pro225Gln). The proline residue is highly conserved and there is a moderate physicochemical difference between proline and glutamine.

Literature cited by the submitters: PubMed 27070778; PubMed 9427144; PubMed 9286441; PubMed 1721894.

NM_000531.6(OTC):c.674C>A (p.Pro225Gln)

Gene: OTC (ornithine transcarbamylase; plus strand). Cytogenetic location: Xp11.4.
Variant type: single nucleotide variant.
Coding change: c.674C>A on transcript NM_000531.6 (MANE Select); coding-DNA position 674, C replaced by A.
Protein change: p.Pro225Gln; replaces proline 225 with glutamine.
Molecular consequence: missense variant.
Genome position (GRCh38, 1-based): chrX:38,408,752, C>A. VCF-style: chrX-38408752-C-A. GRCh37 (hg19) VCF-style: chrX-38268005-C-A.
Other names: short protein forms P225Q.
Identifiers: ClinVar variation 1067355 (VCV001067355.10), dbSNP rs67120076, ClinGen allele CA412721158.